The following is an entry in ClinVar:

ClinVar aggregate classification (germline): Uncertain significance (1 of 4 stars; one submission).

Submission:

Labcorp Genetics (formerly Invitae), Labcorp
Classification: Uncertain significance. Last evaluated: 2023-07-03. Review status: criteria provided, single submitter. Criteria: Invitae Variant Classification Sherloc (09022015). Collection method: clinical testing. Allele origin: germline.
Comment: In summary, the available evidence is currently insufficient to determine the role of this variant in disease. Therefore, it has been classified as a Variant of Uncertain Significance. Experimental studies and prediction algorithms are not available or were not evaluated, and the functional significance of this variant is currently unknown. This variant has not been reported in the literature in individuals affected with COL4A1-related conditions. This variant is not present in population databases (gnomAD no frequency). This sequence change replaces threonine, which is neutral and polar, with asparagine, which is neutral and polar, at codon 1621 of the COL4A1 protein (p.Thr1621Asn).

NM_001845.6(COL4A1):c.4862C>A (p.Thr1621Asn)

Gene: COL4A1 (collagen type IV alpha 1 chain; minus strand). Cytogenetic location: 13q34.
Variant type: single nucleotide variant.
Coding change: c.4862C>A on transcript NM_001845.6 (MANE Select); coding-DNA position 4862, C replaced by A.
Protein change: p.Thr1621Asn; replaces threonine 1621 with asparagine.
Molecular consequence: missense variant.
Genome position (GRCh38, 1-based): chr13:110,152,400, G>T on the plus strand (C>A on the coding strand, the complement: COL4A1 is on the minus strand). VCF-style: chr13-110152400-G-T. GRCh37 (hg19) VCF-style: chr13-110804747-G-T.
Other names: short protein forms T1621N.
Identifiers: ClinVar variation 2833299 (VCV002833299.3), dbSNP rs2501716393, ClinGen allele CA388654245.